The following is an entry in ClinVar:

NM_181503.3(EXOSC8):c.459A>G (p.Thr153=)

Gene: EXOSC8 (exosome component 8; plus strand). Cytogenetic location: 13q13.3.
Variant type: single nucleotide variant.
Coding change: c.459A>G on transcript NM_181503.3 (MANE Select); coding-DNA position 459, A replaced by G.
Protein change: p.Thr153=; no amino-acid change (threonine 153 retained).
Molecular consequence: synonymous variant.
Genome position (GRCh38, 1-based): chr13:37,007,043, A>G. VCF-style: chr13-37007043-A-G. GRCh37 (hg19) VCF-style: chr13-37581180-A-G.
Identifiers: ClinVar variation 746032 (VCV000746032.9), dbSNP rs202038750, ClinGen allele CA6951249.

ClinVar aggregate classification (germline): Benign. Review status: criteria provided, single submitter (1 of 4 stars). 2 submissions from 2 submitters: Benign (1). 1 of the submissions does not count toward it. Last evaluated 2026-01-26.

Conditions:
EXOSC8-related disorder. Also called: EXOSC8-related condition.

Allele frequency attached by ClinVar (database versions not stated): gnomAD 0.00009 and 0.00017; gnomAD exomes 0.00010 and 0.00033; TOPMed 0.00011; ExAC 0.00032; 1000 Genomes Project 30x 0.00172; 1000 Genomes Project 0.00200.
gnomAD v4.1: 200 of 1,613,174 alleles (0.012%); highest among the groups gnomAD compares: East Asian, 0.35%; 1 homozygote.

Submissions (2):

Labcorp Genetics (formerly Invitae), Labcorp
Classification: Benign. Last evaluated: 2026-01-26. Review status: criteria provided, single submitter. Criteria: Invitae Variant Classification Sherloc (09022015). Collection method: clinical testing. Allele origin: germline.

PreventionGenetics, part of Exact Sciences
Classification: Likely benign for EXOSC8-related condition. Last evaluated: 2019-03-20. Review status: no assertion criteria provided. Collection method: clinical testing. Allele origin: germline. Not counted in ClinVar's aggregate classification.
Comment: This variant is classified as likely benign based on ACMG/AMP sequence variant interpretation guidelines (Richards et al. 2015 PMID: 25741868, with internal and published modifications).